The following is an entry in ClinVar:

ClinVar aggregate classification (germline): Conflicting classifications of pathogenicity. Review status: criteria provided, conflicting classifications (1 of 4 stars). 4 submissions from 4 submitters: Uncertain significance (1); Benign (1); Likely benign (2). Last evaluated 2026-01-17.

Conditions:
Leber congenital amaurosis 9 (LCA9). Also called: LCA9 Leber Congenital Amaurosis; LCA 9; Amaurosis congenita of Leber, type 9. Identifiers: Orphanet 65, MedGen C1837873, MONDO:0012056, OMIM 608553.
NMNAT1-related disorder. Also called: NMNAT1-related condition.
Inborn genetic diseases. Identifiers: MedGen C0950123, MeSH D030342.

Allele frequency attached by ClinVar (database versions not stated): gnomAD exomes 0.00010 and 0.00026; ExAC 0.00022; 1000 Genomes Project 0.00060; 1000 Genomes Project 30x 0.00062; ESP Exome Variant Server 0.00062; gnomAD 0.00092 and 0.00103; TOPMed 0.00105.
gnomAD v4.1: 299 of 1,609,088 alleles (0.019%); highest among the groups gnomAD compares: African/African-American, 0.34%; 1 homozygote.

Submissions (4):

Labcorp Genetics (formerly Invitae), Labcorp
Classification: Benign for Leber congenital amaurosis 9. Last evaluated: 2026-01-17. Review status: criteria provided, single submitter. Criteria: Invitae Variant Classification Sherloc (09022015). Collection method: clinical testing. Allele origin: germline.

PreventionGenetics, part of Exact Sciences
Classification: Likely benign for NMNAT1-related condition. Last evaluated: 2025-07-30. Review status: criteria provided, single submitter. Criteria: ACMG Guidelines, 2015. Collection method: clinical testing. Allele origin: germline.
Comment: This variant is classified as likely benign based on ACMG/AMP sequence variant interpretation guidelines (Richards et al. 2015 PMID: 25741868, with internal and published modifications).

Ambry Genetics
Classification: Uncertain significance for Inborn genetic diseases. Last evaluated: 2024-06-16. Review status: criteria provided, single submitter. Criteria: Ambry Variant Classification Scheme 2023. Collection method: clinical testing. Allele origin: germline.

Blueprint Genetics
Classification: Likely benign. Last evaluated: 2024-05-29. Review status: criteria provided, single submitter. Criteria: ACMG Guidelines, 2015. Collection method: clinical testing. Allele origin: germline.

NM_022787.4(NMNAT1):c.23A>C (p.Glu8Ala)

Gene: NMNAT1 (nicotinamide nucleotide adenylyltransferase 1; plus strand). Cytogenetic location: 1p36.22.
Variant type: single nucleotide variant.
Coding change: c.23A>C on transcript NM_022787.4 (MANE Select); coding-DNA position 23, A replaced by C.
Protein change: p.Glu8Ala; replaces glutamic acid 8 with alanine.
Molecular consequence: missense variant.
Genome position (GRCh38, 1-based): chr1:9,972,096, A>C. VCF-style: chr1-9972096-A-C. GRCh37 (hg19) VCF-style: chr1-10032154-A-C.
Other names: c.23A>C, p.Glu8Ala (NM_001297778.1, NM_001297779.2); short protein forms E8A.
Identifiers: ClinVar variation 798231 (VCV000798231.14), dbSNP rs61740429, ClinGen allele CA579120.